The following is an entry in ClinVar:

ClinVar aggregate classification (germline): Conflicting classifications of pathogenicity. Review status: criteria provided, conflicting classifications (1 of 4 stars). 3 submissions from 3 submitters: Uncertain significance (1); Likely benign (1). 1 of the submissions does not count toward it. Last evaluated 2019-01-04.

Conditions:
Benign neonatal seizures. Also called: Benign familial neonatal seizures; Benign neonatal familial convulsions; Convulsions benign familial neonatal dominant form; Autosomal dominant form of benign neonatal seizures; Benign familial neonatal epilepsy. Identifiers: Orphanet 1949, MedGen C0220669, MONDO:0016027.

Allele frequency attached by ClinVar (database versions not stated): gnomAD exomes 0.00003 and 0.00021; gnomAD 0.00001.
gnomAD v4.1: 6 of 1,136,050 alleles (0.00053%); highest among the groups gnomAD compares: Middle Eastern, 0.035%; no homozygotes.

Submissions (3):

Labcorp Genetics (formerly Invitae), Labcorp
Classification: Uncertain significance for Benign neonatal seizures. Last evaluated: 2019-01-04. Review status: criteria provided, single submitter. Criteria: Invitae Variant Classification Sherloc (09022015). Collection method: clinical testing. Allele origin: germline.
Comment: This sequence change replaces alanine with valine at codon 12 of the KCNQ3 protein (p.Ala12Val). The alanine residue is weakly conserved and there is a small physicochemical difference between alanine and valine. The frequency data for this variant in the population databases is considered unreliable, as metrics indicate insufficient coverage at this position in the ExAC database. This variant has not been reported in the literature in individuals with KCNQ3-related conditions. ClinVar contains an entry for this variant (Variation ID: 205956). Algorithms developed to predict the effect of missense changes on protein structure and function output the following: SIFT: "Tolerated"; PolyPhen-2: "Possibly Damaging"; Align-GVGD: "Class C0". The valine amino acid residue is found in multiple mammalian species, suggesting that this missense change does not adversely affect protein function. These predictions have not been confirmed by published functional studies and their clinical significance is uncertain. In summary, the available evidence is currently insufficient to determine the role of this variant in disease. Therefore, it has been classified as a Variant of Uncertain Significance.

GeneDx
Classification: Likely benign. Last evaluated: 2012-08-07. Review status: criteria provided, single submitter. Criteria: GeneDx Variant Classification (06012015). Collection method: clinical testing. Allele origin: germline. Affected: yes.
Comment: This variant is considered likely benign or benign based on one or more of the following criteria: it is a conservative change, it occurs at a poorly conserved position in the protein, it is predicted to be benign by multiple in silico algorithms, and/or has population frequency not consistent with disease.

Department of Pathology and Laboratory Medicine, Sinai Health System
Classification: Uncertain significance. Review status: no assertion criteria provided. Collection method: clinical testing. Allele origin: unknown. Affected: yes. Study: The Canadian Open Genetics Repository (COGR). Not counted in ClinVar's aggregate classification.
Comment: The KCNQ3 p.Ala12Val variant was not identified in the literature nor was it identified in Cosmic or LOVD 3.0. The variant was identified in dbSNP (ID: rs796052672) and in ClinVar (classified as likely benign by GeneDx). The variant was identified in control databases in 1 of 4680 chromosomes at a frequency of 0.000214 (Genome Aggregation Database Feb 27, 2017). The variant was observed in the following population: European (non-Finnish) in 1 of 2436 chromosomes (freq: 0.000411), while the variant was not observed in the African, Latino, Ashkenazi Jewish, East Asian, European (Finnish), Other, and South Asian populations. The p.Ala12 residue is conserved in in mammals but not in more distantly related organisms however computational analyses (PolyPhen-2, SIFT, AlignGVGD, BLOSUM, MutationTaster) do not suggest a high likelihood of impact to the protein; this information is not predictive enough to rule out pathogenicity. The variant occurs outside of the splicing consensus sequence and 3 of 4 in silico or computational prediction software programs (SpliceSiteFinder, MaxEntScan, NNSPLICE) do not predict a difference in splicing. In summary, based on the above information the clinical significance of this variant cannot be determined with certainty at this time. This variant is classified as a variant of uncertain significance.

NM_004519.4(KCNQ3):c.35C>T (p.Ala12Val)

Gene: KCNQ3 (potassium voltage-gated channel subfamily Q member 3; minus strand). Cytogenetic location: 8q24.22.
Variant type: single nucleotide variant.
Coding change: c.35C>T on transcript NM_004519.4 (MANE Select); coding-DNA position 35, C replaced by T.
Protein change: p.Ala12Val; replaces alanine 12 with valine.
Molecular consequence: missense variant.
Genome position (GRCh38, 1-based): chr8:132,480,498, G>A on the plus strand (C>T on the coding strand, the complement: KCNQ3 is on the minus strand). VCF-style: chr8-132480498-G-A. GRCh37 (hg19) VCF-style: chr8-133492745-G-A.
Other names: p.A12V:GCT>GTT; short protein forms A12V.
Identifiers: ClinVar variation 205956 (VCV000205956.5), dbSNP rs796052672, ClinGen allele CA315580.